The following is an entry in ClinVar:

ClinVar aggregate classification (germline): Likely benign. Review status: criteria provided, multiple submitters, no conflicts (2 of 4 stars). 3 submissions from 3 submitters: Likely benign (3). Last evaluated 2026-09-01.

Conditions:
Familial cold autoinflammatory syndrome 3 (FCAS3). Also called: FAMILIAL ATYPICAL COLD URTICARIA; ANTIBODY DEFICIENCY AND IMMUNE DYSREGULATION, PLCG2-ASSOCIATED. Identifiers: Orphanet 300359, MedGen C3280914, MONDO:0013766, OMIM 614468.

gnomAD v4.1: 24 of 1,613,990 alleles (0.0015%); highest among the groups gnomAD compares: Admixed American, 0.04%; 1 homozygote.

Submissions (3):

CeGaT Center for Human Genetics Tuebingen
Classification: Likely benign. Last evaluated: 2026-09-01. Review status: criteria provided, single submitter. Criteria: CeGaT Center For Human Genetics Tuebingen Variant Classification Criteria Version 2. Collection method: clinical testing. Allele origin: germline. Affected: yes. Observed: 1 variant allele.
Comment: PLCG2: BP4, BP7

Labcorp Genetics (formerly Invitae), Labcorp
Classification: Likely benign for Familial cold autoinflammatory syndrome 3. Last evaluated: 2026-01-17. Review status: criteria provided, single submitter. Criteria: Invitae Variant Classification Sherloc (09022015). Collection method: clinical testing. Allele origin: germline.

Blueprint Genetics
Classification: Likely benign. Last evaluated: 2022-07-26. Review status: criteria provided, single submitter. Criteria: ACMG Guidelines, 2015. Collection method: clinical testing. Allele origin: germline.

NM_002661.5(PLCG2):c.1125G>T (p.Thr375=)

Gene: PLCG2 (phospholipase C gamma 2; plus strand). Cytogenetic location: 16q23.3.
Variant type: single nucleotide variant.
Coding change: c.1125G>T on transcript NM_002661.5 (MANE Select); coding-DNA position 1125, G replaced by T.
Protein change: p.Thr375=; no amino-acid change (threonine 375 retained).
Molecular consequence: synonymous variant.
Genome position (GRCh38, 1-based): chr16:81,895,859, G>T. VCF-style: chr16-81895859-G-T. GRCh37 (hg19) VCF-style: chr16-81929464-G-T.
Identifiers: ClinVar variation 1157207 (VCV001157207.11), dbSNP rs374233612, ClinGen allele CA8193609.